The following is an entry in ClinVar:

NM_001613.4(ACTA2):c.478G>A (p.Gly160Ser)

Gene: ACTA2 (actin alpha 2, smooth muscle; minus strand). Cytogenetic location: 10q23.31.
Variant type: single nucleotide variant.
Coding change: c.478G>A on transcript NM_001613.4 (MANE Select); coding-DNA position 478, G replaced by A.
Protein change: p.Gly160Ser; replaces glycine 160 with serine.
Molecular consequence: missense variant.
Genome position (GRCh38, 1-based): chr10:88,941,367, C>T on the plus strand (G>A on the coding strand, the complement: ACTA2 is on the minus strand). VCF-style: chr10-88941367-C-T. GRCh37 (hg19) VCF-style: chr10-90701124-C-T.
Other names: p.G160S:GGT>AGT; c.478G>A, p.Gly160Ser (NM_001141945.3, NM_001320855.2, NM_001406462.1 and 3 more transcripts); c.367G>A, p.Gly123Ser (NM_001406466.1); c.349G>A, p.Gly117Ser (NM_001406467.1, NM_001406468.1, NM_001406469.1); short protein forms G160S, G117S, G123S.
Identifiers: ClinVar variation 199672 (VCV000199672.13), dbSNP rs794728026, ClinGen allele CA006961.

ClinVar aggregate classification (germline): Uncertain significance. Review status: criteria provided, multiple submitters, no conflicts (2 of 4 stars). 3 submissions from 3 submitters: Uncertain significance (3). Last evaluated 2024-10-24.

Conditions:
Familial thoracic aortic aneurysm and aortic dissection (TAAD). Also called: Thoracic aortic aneurysms and dissections. Identifiers: Orphanet 91387, MedGen C4707243, MONDO:0019625.
Aortic aneurysm, familial thoracic 6 (AAT6). Also called: FAMILIAL THORACIC AORTIC ANEURYSM WITH LIVEDO RETICULARIS AND IRIS FLOCCULI. Identifiers: MedGen C2673186, MONDO:0012730, OMIM 611788.

Submissions (3):

Ambry Genetics
Classification: Uncertain significance for Familial thoracic aortic aneurysm and aortic dissection. Last evaluated: 2024-10-24. Review status: criteria provided, single submitter. Criteria: Ambry Variant Classification Scheme 2023. Collection method: clinical testing. Allele origin: germline.
Comment: The p.G160S variant (also known as c.478G>A), located in coding exon 5 of the ACTA2 gene, results from a G to A substitution at nucleotide position 478. The glycine at codon 160 is replaced by serine, an amino acid with similar properties. This amino acid position is highly conserved in available vertebrate species. In addition, this alteration is predicted to be deleterious by in silico analysis. Based on the available evidence, the clinical significance of this variant remains unclear.

GeneDx
Classification: Uncertain significance. Last evaluated: 2019-07-30. Review status: criteria provided, single submitter. Criteria: GeneDx Variant Classification Process June 2021. Collection method: clinical testing. Allele origin: germline. Affected: yes.
Comment: Has not been previously published as pathogenic or benign to our knowledge; Not observed in large population cohorts (Lek et al., 2016); In silico analysis, which includes protein predictors and evolutionary conservation, supports a deleterious effect; Reported in ClinVar but additional evidence is not available (ClinVar Variant ID# 199672; Landrum et al., 2016)

Labcorp Genetics (formerly Invitae), Labcorp
Classification: Uncertain significance for Aortic aneurysm, familial thoracic 6. Last evaluated: 2017-07-20. Review status: criteria provided, single submitter. Criteria: Invitae Variant Classification Sherloc (09022015). Collection method: clinical testing. Allele origin: germline.
Comment: In summary, the available evidence is currently insufficient to determine the role of this variant in disease. Therefore, it has been classified as a Variant of Uncertain Significance. Algorithms developed to predict the effect of missense changes on protein structure and function (SIFT, PolyPhen-2, Align-GVGD) all suggest that this variant is likely to be disruptive, but these predictions have not been confirmed by published functional studies and their clinical significance is uncertain. This variant has not been reported in the literature in individuals with ACTA2-related disease. ClinVar contains an entry for this variant (Variation ID: 199672). This variant is not present in population databases (ExAC no frequency). This sequence change replaces glycine with serine at codon 160 of the ACTA2 protein (p.Gly160Ser). The glycine residue is highly conserved and there is a small physicochemical difference between glycine and serine.